The following is an entry in ClinVar:

ClinVar aggregate classification (germline): Uncertain significance (1 of 4 stars; one submission).

Conditions:
Developmental and epileptic encephalopathy, 30 (DEE30). Also called: Epileptic encephalopathy, early infantile, 30. Identifiers: MedGen C4225360, MONDO:0014595, OMIM 616341.

Submission:

Labcorp Genetics (formerly Invitae), Labcorp
Classification: Uncertain significance for Developmental and epileptic encephalopathy, 30. Last evaluated: 2024-03-20. Review status: criteria provided, single submitter. Criteria: Invitae Variant Classification Sherloc (09022015). Collection method: clinical testing. Allele origin: germline.
Comment: This sequence change replaces cysteine, which is neutral and slightly polar, with arginine, which is basic and polar, at codon 353 of the SIK1 protein (p.Cys353Arg). This variant is not present in population databases (gnomAD no frequency). This variant has not been reported in the literature in individuals affected with SIK1-related conditions. Advanced modeling of protein sequence and biophysical properties (such as structural, functional, and spatial information, amino acid conservation, physicochemical variation, residue mobility, and thermodynamic stability) performed at Invitae indicates that this missense variant is not expected to disrupt SIK1 protein function with a negative predictive value of 95%. In summary, the available evidence is currently insufficient to determine the role of this variant in disease. Therefore, it has been classified as a Variant of Uncertain Significance.

NM_173354.5(SIK1):c.1057T>C (p.Cys353Arg)

Gene: SIK1 (salt inducible kinase 1; minus strand). Cytogenetic location: 21q22.3.
Variant type: single nucleotide variant.
Coding change: c.1057T>C on transcript NM_173354.5 (MANE Select); coding-DNA position 1057, T replaced by C.
Protein change: p.Cys353Arg; replaces cysteine 353 with arginine.
Molecular consequence: missense variant.
Genome position (GRCh38, 1-based): chr21:43,419,921, A>G on the plus strand (T>C on the coding strand, the complement: SIK1 is on the minus strand). VCF-style: chr21-43419921-A-G. GRCh37 (hg19) VCF-style: chr21-44839801-A-G.
Other names: short protein forms C353R.
Identifiers: ClinVar variation 2901745 (VCV002901745.3), dbSNP rs2081049645, ClinGen allele CA410608820.